The following is an entry in ClinVar:

NM_006231.4(POLE):c.6836A>C (p.Gln2279Pro)

Gene: POLE (DNA polymerase epsilon, catalytic subunit; minus strand). Cytogenetic location: 12q24.33.
Variant type: single nucleotide variant.
Coding change: c.6836A>C on transcript NM_006231.4 (MANE Select); coding-DNA position 6836, A replaced by C.
Protein change: p.Gln2279Pro; replaces glutamine 2279 with proline.
Molecular consequence: missense variant.
Genome position (GRCh38, 1-based): chr12:132,624,722, T>G on the plus strand (A>C on the coding strand, the complement: POLE is on the minus strand). VCF-style: chr12-132624722-T-G. GRCh37 (hg19) VCF-style: chr12-133201308-T-G.
Other names: short protein forms Q2279P.
Identifiers: ClinVar variation 4825826 (VCV004825826.1).

ClinVar aggregate classification (germline): Uncertain significance (1 of 4 stars; one submission).

Conditions:
Hereditary cancer-predisposing syndrome. Also called: Neoplastic Syndromes, Hereditary; Tumor predisposition; Hereditary Cancer Syndrome; Hereditary neoplastic syndrome. Identifiers: Orphanet 140162, MedGen C0027672, MeSH D009386, MONDO:0015356.

Submission:

Ambry Genetics
Classification: Uncertain significance for Hereditary cancer-predisposing syndrome. Last evaluated: 2026-03-07. Review status: criteria provided, single submitter. Criteria: Ambry Variant Classification Scheme 2023. Collection method: clinical testing. Allele origin: germline.
Comment: The p.Q2279P variant (also known as c.6836A>C), located in coding exon 49 of the POLE gene, results from an A to C substitution at nucleotide position 6836. The glutamine at codon 2279 is replaced by proline, an amino acid with similar properties. This amino acid position is conserved. In addition, this alteration is predicted to be tolerated by in silico analysis. Based on the available evidence, the clinical significance of this variant remains unclear.